The following is an entry in ClinVar:

ClinVar aggregate classification (germline): Likely benign (0 of 4 stars; one submission).

Conditions:
ZFHX4-related disorder. Also called: ZFHX4-related condition.

Allele frequency attached by ClinVar (database versions not stated): TOPMed 0.00005; ExAC 0.00006; ESP Exome Variant Server 0.00008; gnomAD 0.00008; gnomAD exomes 0.00010.
gnomAD v4.1: 168 of 1,613,726 alleles (0.01%); highest among the groups gnomAD compares: Non-Finnish European, 0.013%; no homozygotes.

Submission:

PreventionGenetics, part of Exact Sciences
Classification: Likely benign for ZFHX4-related condition. Last evaluated: 2019-03-12. Review status: no assertion criteria provided. Collection method: clinical testing. Allele origin: germline.
Comment: This variant is classified as likely benign based on ACMG/AMP sequence variant interpretation guidelines (Richards et al. 2015 PMID: 25741868, with internal and published modifications).

NM_024721.5(ZFHX4):c.3174C>T (p.Val1058=)

Gene: ZFHX4 (zinc finger homeobox 4; plus strand). Cytogenetic location: 8q21.13.
Variant type: single nucleotide variant.
Coding change: c.3174C>T on transcript NM_024721.5 (MANE Select); coding-DNA position 3174, C replaced by T.
Protein change: p.Val1058=; no amino-acid change (valine 1058 retained).
Molecular consequence: synonymous variant.
Genome position (GRCh38, 1-based): chr8:76,778,288, C>T. VCF-style: chr8-76778288-C-T. GRCh37 (hg19) VCF-style: chr8-77690524-C-T.
Other names: c.3096C>T, p.Val1032= (NM_001410934.1).
Identifiers: ClinVar variation 3058442 (VCV003058442.2), dbSNP rs370547889, ClinGen allele CA4787179.